The following is an entry in ClinVar:

ClinVar aggregate classification (germline): Uncertain significance (1 of 4 stars; one submission).

Allele frequency attached by ClinVar (database versions not stated): gnomAD exomes 0.00001.
gnomAD v4.1: 8 of 1,613,832 alleles (0.0005%); highest among the groups gnomAD compares: East Asian, 0.018%; no homozygotes.

Submission:

Mayo Clinic Laboratories, Mayo Clinic
Classification: Uncertain significance. Last evaluated: 2022-10-19. Review status: criteria provided, single submitter. Criteria: ACMG Guidelines, 2015. Collection method: clinical testing. Allele origin: germline. Observed: 1 variant allele.
Comment: BP4, PM2_supporting

NM_001267550.2(TTN):c.15100A>C (p.Asn5034His)

Gene: TTN (titin; minus strand). Cytogenetic location: 2q31.2.
Variant type: single nucleotide variant.
Coding change: c.15100A>C on transcript NM_001267550.2 (MANE Select); coding-DNA position 15100, A replaced by C.
Protein change: p.Asn5034His; replaces asparagine 5034 with histidine.
Molecular consequence: missense variant. On other transcripts: intron variant (3).
Genome position (GRCh38, 1-based): chr2:178,734,824, T>G on the plus strand (A>C on the coding strand, the complement: TTN is on the minus strand). VCF-style: chr2-178734824-T-G. GRCh37 (hg19) VCF-style: chr2-179599551-T-G.
Other names: p.Asn4717His; c.14149A>C, p.Asn4717His (NM_001256850.1); c.11368A>C, p.Asn3790His (NM_133378.4); c.13282+3258A>C (NM_003319.4); c.13858+3258A>C (NM_133437.4); c.13657+3258A>C (NM_133432.3); short protein forms N3790H, N4717H, N5034H.
Identifiers: ClinVar variation 2682791 (VCV002682791.1), dbSNP rs1211030254, ClinGen allele CA349595363.